The following is an entry in ClinVar:

NM_001903.5(CTNNA1):c.149AGA[1] (p.Lys51del)

Gene: CTNNA1 (catenin alpha 1; plus strand). Cytogenetic location: 5q31.2.
Variant type: Microsatellite.
Coding change: c.149AGA[1] on transcript NM_001903.5 (MANE Select); one copy of the 3-base unit AGA starting at c.149; the reference has two copies in a row; one copy, 3 bases deleted; also written c.152_154del.
Protein change: p.Lys51del; deletes lysine 51.
Molecular consequence: inframe deletion. On other transcripts: 5 prime UTR variant (1), intron variant (1).
Genome position (GRCh38, 1-based): chr5:138,783,223-138,783,225, AGA deleted; deleting any 3 consecutive bases within chr5:138,783,219-138,783,225 gives the same sequence; the position shown is the placement nearest the transcript's 3' end. VCF-style (leftmost placement, unchanged base first): chr5-138783218-TAAG-T. GRCh37 (hg19) VCF-style: chr5-138118907-TAAG-T.
Other names: c.149AGA[1], p.Lys51del (NM_001290307.3, NM_001323982.2, NM_001323983.1 and 3 more transcripts); c.-58AGA[1] (NM_001290310.3); c.-9+1194_-9+1196del (NM_001290309.3); c.152_154delAGA (NM_001903.2); c.152_154del (NM_001903.3); short protein forms K51del.
Identifiers: ClinVar variation 643557 (VCV000643557.10), dbSNP rs762712870, ClinGen allele CA3431366.
Genomic context (GRCh38, chr5:138,783,218, plus strand): 5'-TTAAAAATGAAACTTTTAGGTTACAACCCTTGTAAACACCAATAGTAAAGGGCCCTCTAA[TAAG>T]AAGAGAGGTCGTTCTAAGAAGGCCCATGTTTTGGCTGCATCTGTTGAACAAGCAACTGAG-3'

ClinVar aggregate classification (germline): Conflicting classifications of pathogenicity. Review status: criteria provided, conflicting classifications (1 of 4 stars). 2 submissions from 2 submitters: Uncertain significance (1); Likely benign (1). Last evaluated 2026-01-18.

Conditions:
Hereditary cancer-predisposing syndrome. Also called: Neoplastic Syndromes, Hereditary; Tumor predisposition; Hereditary neoplastic syndrome; Hereditary Cancer Syndrome. Identifiers: Orphanet 140162, MedGen C0027672, MeSH D009386, MONDO:0015356.

Submissions (2):

Labcorp Genetics (formerly Invitae), Labcorp
Classification: Uncertain significance. Last evaluated: 2026-01-18. Review status: criteria provided, single submitter. Criteria: Invitae Variant Classification Sherloc (09022015). Collection method: clinical testing. Allele origin: germline.
Comment: This variant, c.152_154del, results in the deletion of 1 amino acid(s) of the CTNNA1 protein (p.Lys51del), but otherwise preserves the integrity of the reading frame. This variant is present in population databases (rs762712870, gnomAD 0.02%). This variant has not been reported in the literature in individuals affected with CTNNA1-related conditions. ClinVar contains an entry for this variant (Variation ID: 643557). Experimental studies and prediction algorithms are not available or were not evaluated, and the functional significance of this variant is currently unknown. In summary, the available evidence is currently insufficient to determine the role of this variant in disease. Therefore, it has been classified as a Variant of Uncertain Significance.

Ambry Genetics
Classification: Likely benign for Hereditary cancer-predisposing syndrome. Last evaluated: 2023-01-11. Review status: criteria provided, single submitter. Criteria: Ambry Variant Classification Scheme 2023. Collection method: clinical testing. Allele origin: germline.